The following is an entry in ClinVar:

NM_001127222.2(CACNA1A):c.4683C>G (p.Phe1561Leu)

Gene: CACNA1A (calcium voltage-gated channel subunit alpha1 A; minus strand). Cytogenetic location: 19p13.13.
Variant type: single nucleotide variant.
Coding change: c.4683C>G on transcript NM_001127222.2 (MANE Select); coding-DNA position 4683, C replaced by G.
Protein change: p.Phe1561Leu; replaces phenylalanine 1561 with leucine.
Molecular consequence: missense variant.
Genome position (GRCh38, 1-based): chr19:13,255,167, G>C on the plus strand (C>G on the coding strand, the complement: CACNA1A is on the minus strand). VCF-style: chr19-13255167-G-C. GRCh37 (hg19) VCF-style: chr19-13365981-G-C.
Other names: c.4695C>G, p.Phe1565Leu (NM_000068.4, NM_023035.3); c.4686C>G, p.Phe1562Leu (NM_001127221.2, NM_001174080.2); short protein forms F1565L, F1561L, F1562L.
Identifiers: ClinVar variation 960375 (VCV000960375.7), dbSNP rs377082780, ClinGen allele CA404338475.

ClinVar aggregate classification (germline): Uncertain significance (1 of 4 stars; one submission).

Conditions:
Developmental and epileptic encephalopathy, 42 (DEE42A). Also called: DEVELOPMENTAL AND EPILEPTIC ENCEPHALOPATHY 42A; EPILEPTIC ENCEPHALOPATHY, EARLY INFANTILE, 42A; Epileptic encephalopathy, early infantile, 42. Identifiers: MedGen C4310716, MONDO:0014917, OMIM 617106.
Episodic ataxia type 2 (EA2). Also called: ATAXIA, EPISODIC, WITH NYSTAGMUS; ATAXIA, FAMILIAL PAROXYSMAL; CEREBELLAR ATAXIA, PAROXYSMAL, ACETAZOLAMIDE-RESPONSIVE; ACETAZOLAMIDE-RESPONSIVE HEREDITARY PAROXYSMAL CEREBELLAR ATAXIA; CEREBELLOPATHY, HEREDITARY PAROXYSMAL; EPISODIC ATAXIA, NYSTAGMUS-ASSOCIATED. Identifiers: Orphanet 97, MedGen C1720416, MONDO:0007163, OMIM 108500.

Submission:

Labcorp Genetics (formerly Invitae), Labcorp
Classification: Uncertain significance for Developmental and epileptic encephalopathy, 42; Episodic ataxia type 2. Last evaluated: 2025-01-30. Review status: criteria provided, single submitter. Criteria: Invitae Variant Classification Sherloc (09022015). Collection method: clinical testing. Allele origin: germline.
Comment: This sequence change replaces phenylalanine, which is neutral and non-polar, with leucine, which is neutral and non-polar, at codon 1562 of the CACNA1A protein (p.Phe1562Leu). This variant is not present in population databases (gnomAD no frequency). This variant has not been reported in the literature in individuals affected with CACNA1A-related conditions. ClinVar contains an entry for this variant (Variation ID: 960375). Invitae Evidence Modeling of protein sequence and biophysical properties (such as structural, functional, and spatial information, amino acid conservation, physicochemical variation, residue mobility, and thermodynamic stability) indicates that this missense variant is not expected to disrupt CACNA1A protein function with a negative predictive value of 95%. In summary, the available evidence is currently insufficient to determine the role of this variant in disease. Therefore, it has been classified as a Variant of Uncertain Significance.